The following is an entry in ClinVar:

NM_000478.6(ALPL):c.968A>T (p.Asn323Ile)

Gene: ALPL (alkaline phosphatase, biomineralization associated; plus strand). Cytogenetic location: 1p36.12.
Variant type: single nucleotide variant.
Coding change: c.968A>T on transcript NM_000478.6 (MANE Select); coding-DNA position 968, A replaced by T.
Protein change: p.Asn323Ile; replaces asparagine 323 with isoleucine.
Molecular consequence: missense variant.
Genome position (GRCh38, 1-based): chr1:21,573,770, A>T. VCF-style: chr1-21573770-A-T. GRCh37 (hg19) VCF-style: chr1-21900263-A-T.
Other names: c.803A>T, p.Asn268Ile (NM_001127501.4); c.737A>T, p.Asn246Ile (NM_001177520.3); c.968A>T, p.Asn323Ile (NM_001369803.2, NM_001369804.2, NM_001369805.2); short protein forms N246I, N268I, N323I.
Identifiers: ClinVar variation 1679927 (VCV001679927.3), dbSNP rs2148184743, ClinGen allele CA338880384.

ClinVar aggregate classification (germline): Uncertain significance. Review status: criteria provided, single submitter (1 of 4 stars). 2 submissions from 2 submitters: Uncertain significance (1). 1 of the submissions does not count toward it. Last evaluated 2025-08-29.

Conditions:
Hypophosphatasia. Also called: Phosphoethanol-aminuria. Identifiers: Orphanet 436, MedGen C0020630, MeSH D007014, MONDO:0018570.

Submissions (2):

Genomenon, Inc
Classification: Uncertain significance for Hypophosphatasia. Last evaluated: 2025-08-29. Review status: criteria provided, single submitter. Criteria: Genomenon Sequence Variant Interpretation Standards. Collection method: curation. Allele origin: germline. Affected: yes.
Comment: ALPL c.968A>T is a missense variant that changes the amino acid at residue 323 from Asparagine to Isoleucine. This variant has been observed in a proband affected with hypophosphatasia (PMID:36361766). It is absent or not present at a significant frequency in gnomAD. In silico models agree that this variant is possibly or probably damaging. In conclusion, we classify ALPL p.Asn323Ile (c.968A>T) as a variant of unknown significance.

JKU Lab, Dept of Paediatrics, Johannes Kepler University
Classification: Uncertain significance for Hypophosphatasia. Last evaluated: 2021-12-25. Review status: no assertion criteria provided. Collection method: clinical testing. Allele origin: germline. Affected: yes. Not counted in ClinVar's aggregate classification.

Literature cited by the submitters: PubMed 36361766 (cited by Genomenon, Inc).